The following is an entry in ClinVar:

NM_032634.4(PIGO):c.939+18C>T

Gene: PIGO (phosphatidylinositol glycan anchor biosynthesis class O; minus strand). Cytogenetic location: 9p13.3.
Variant type: single nucleotide variant.
Coding change: c.939+18C>T on transcript NM_032634.4 (MANE Select); 18 bases into the intron after coding-DNA position 939, C replaced by T.
Molecular consequence: intron variant.
Genome position (GRCh38, 1-based): chr9:35,093,403, G>A on the plus strand (C>T on the coding strand, the complement: PIGO is on the minus strand). VCF-style: chr9-35093403-G-A. GRCh37 (hg19) VCF-style: chr9-35093400-G-A.
Other names: c.939+18C>T (NM_152850.4, NM_001201484.2).
Identifiers: ClinVar variation 514355 (VCV000514355.3), dbSNP rs1173858609, ClinGen allele CA587568926.
Genomic context (GRCh38, chr9:35,093,403, plus strand): 5'-GAGGTATTCATGAGGATGCTGTAATGGTAACATGGGCTGATTACTGGGAGAACAGATGAG[G>A]AACATCCCAGGCCTCACCTCTGGTGGGGTGCTGGGGAAGACTGCTGTGGGGCTATACAGA-3'

ClinVar aggregate classification (germline): Likely benign. Review status: criteria provided, multiple submitters, no conflicts (2 of 4 stars). 2 submissions from 2 submitters: Likely benign (2). Last evaluated 2025-11-23.

Conditions:
Hyperphosphatasia with impaired intellectual development syndrome 2. Also called: GLYCOSYLPHOSPHATIDYLINOSITOL BIOSYNTHESIS DEFECT 6; Hyperphosphatasia with intellectual disability syndrome 2. Identifiers: Orphanet 247262, MedGen C3553637, MONDO:0013882, OMIM 614749.

Allele frequency attached by ClinVar (database versions not stated): TOPMed 0.00004; gnomAD 0.00001; gnomAD exomes below 0.00001.
gnomAD v4.1: 5 of 1,613,738 alleles (0.00031%); highest among the groups gnomAD compares: Admixed American, 0.0033%; no homozygotes.

Submissions (2):

Labcorp Genetics (formerly Invitae), Labcorp
Classification: Likely benign for Hyperphosphatasia with impaired intellectual development syndrome 2. Last evaluated: 2025-11-23. Review status: criteria provided, single submitter. Criteria: Invitae Variant Classification Sherloc (09022015). Collection method: clinical testing. Allele origin: germline.

GeneDx
Classification: Likely benign. Last evaluated: 2018-01-02. Review status: criteria provided, single submitter. Criteria: GeneDx Variant Classification (06012015). Collection method: clinical testing. Allele origin: germline. Affected: yes.
Comment: This variant is considered likely benign or benign based on one or more of the following criteria: it is a conservative change, it occurs at a poorly conserved position in the protein, it is predicted to be benign by multiple in silico algorithms, and/or has population frequency not consistent with disease.